The following is an entry in ClinVar:

ClinVar aggregate classification (germline): Uncertain significance (1 of 4 stars; one submission).

Conditions:
Dilated cardiomyopathy 1DD (CMD1DD). Identifiers: Orphanet 154, MedGen C2750995, MONDO:0013168, OMIM 613172.

Submission:

Labcorp Genetics (formerly Invitae), Labcorp
Classification: Uncertain significance for Dilated cardiomyopathy 1DD. Last evaluated: 2022-03-23. Review status: criteria provided, single submitter. Criteria: Invitae Variant Classification Sherloc (09022015). Collection method: clinical testing. Allele origin: germline.
Comment: In summary, the available evidence is currently insufficient to determine the role of this variant in disease. Therefore, it has been classified as a Variant of Uncertain Significance. This sequence change creates a premature translational stop signal (p.Gln1196*) in the RBM20 gene. While this is not anticipated to result in nonsense mediated decay, it is expected to disrupt the last 32 amino acid(s) of the RBM20 protein. This variant is not present in population databases (gnomAD no frequency). This variant has not been reported in the literature in individuals affected with RBM20-related conditions. ClinVar contains an entry for this variant (Variation ID: 1012029). Experimental studies and prediction algorithms are not available or were not evaluated, and the functional significance of this variant is currently unknown.

NM_001134363.3(RBM20):c.3586C>T (p.Gln1196Ter)

Gene: RBM20 (RNA binding motif protein 20; plus strand). Cytogenetic location: 10q25.2.
Variant type: single nucleotide variant.
Coding change: c.3586C>T on transcript NM_001134363.3 (MANE Select); coding-DNA position 3586, C replaced by T.
Protein change: p.Gln1196Ter; replaces glutamine 1196 with a stop codon.
Molecular consequence: nonsense.
Genome position (GRCh38, 1-based): chr10:110,835,880, C>T. VCF-style: chr10-110835880-C-T. GRCh37 (hg19) VCF-style: chr10-112595638-C-T.
Other names: short protein forms Q1196*.
Identifiers: ClinVar variation 1012029 (VCV001012029.6), dbSNP rs1845119781, ClinGen allele CA378387915.